The following is an entry in ClinVar:

NM_000492.4(CFTR):c.1072G>A (p.Val358Ile)

Gene: CFTR (CF transmembrane conductance regulator; plus strand). Cytogenetic location: 7q31.2.
Variant type: single nucleotide variant.
Coding change: c.1072G>A on transcript NM_000492.4 (MANE Select); coding-DNA position 1072, G replaced by A.
Protein change: p.Val358Ile; replaces valine 358 with isoleucine.
Molecular consequence: missense variant.
Genome position (GRCh38, 1-based): chr7:117,540,302, G>A. VCF-style: chr7-117540302-G-A. GRCh37 (hg19) VCF-style: chr7-117180356-G-A.
Other names: short protein forms V358I.
Identifiers: ClinVar variation 2681863 (VCV002681863.2), dbSNP rs1397822868, ClinGen allele CA368978967.
Genomic context (GRCh38, chr7:117,540,302, plus strand): 5'-ACCACCATCTCATTCTGCATTGTTCTGCGCATGGCGGTCACTCGGCAATTTCCCTGGGCT[G>A]TACAAACATGGTATGACTCTCTTGGAGCAATAAACAAAATACAGGTAATGTACCATAATG-3'
Protein context (NP_000483.3, residues 348-368): MAVTRQFPWA[Val358Ile]QTWYDSLGAI

ClinVar aggregate classification (germline): Uncertain significance. Review status: criteria provided, multiple submitters, no conflicts (2 of 4 stars). 2 submissions from 2 submitters: Uncertain significance (2). Last evaluated 2024-12-26.

Allele frequency attached by ClinVar (database versions not stated): gnomAD exomes below 0.00001; TOPMed 0.00001.
gnomAD v4.1: 1 of 1,613,860 alleles (0.000062%); highest among the groups gnomAD compares: Non-Finnish European, 0.000085%; no homozygotes.

Submissions (2):

Women's Health and Genetics/Laboratory Corporation of America, LabCorp
Classification: Uncertain significance. Last evaluated: 2024-12-26. Review status: criteria provided, single submitter. Criteria: LabCorp Variant Classification Summary - May 2015. Collection method: clinical testing. Allele origin: germline.
Comment: Variant summary: CFTR c.1072G>A (p.Val358Ile) results in a conservative amino acid change in the encoded protein sequence. Four of five in-silico tools predict a benign effect of the variant on protein function. The frequency data for this variant in gnomAD is considered unreliable, as metrics indicate poor data quality at this position. c.1072G>A has been reported in the literature as a complex allele with c.1066_1071delTGGGCT (p.Trp356_Ala357del) in cis in individuals affected with Cystic Fibrosis (McGinniss_2005, Martinez-Hernandez_2024). These reports do not provide unequivocal conclusions about association of the variant with Cystic Fibrosis. To our knowledge, no experimental evidence demonstrating an impact on protein function has been reported. The following publications have been ascertained in the context of this evaluation (PMID: 38601560, 16189704). ClinVar contains an entry for this variant (Variation ID: 2681863). Based on the evidence outlined above, the variant was classified as uncertain significance.

Quest Diagnostics Nichols Institute San Juan Capistrano
Classification: Uncertain significance. Last evaluated: 2023-02-02. Review status: criteria provided, single submitter. Criteria: Quest Diagnostics criteria. Collection method: clinical testing. Allele origin: unknown.
Comment: This variant has not been reported in the published literature. It also has not been reported in large, multi-ethnic general populations. Analysis of this variant using bioinformatics tools for the prediction of the effect of amino acid changes on protein structure and function yielded predictions that this variant is benign. Based on the available information, we are unable to determine the clinical significance of this variant.

Literature cited by the submitters: PubMed 16189704 (cited by Women's Health and Genetics/Laboratory Corporation of America, LabCorp); PubMed 38601560 (cited by Women's Health and Genetics/Laboratory Corporation of America, LabCorp).